The following is an entry in ClinVar:

NM_001130438.3(SPTAN1):c.5358-195A>G

Gene: SPTAN1 (spectrin alpha, non-erythrocytic 1; plus strand). Cytogenetic location: 9q34.11.
Variant type: single nucleotide variant.
Coding change: c.5358-195A>G on transcript NM_001130438.3 (MANE Select); 195 bases into the intron before coding-DNA position 5358, A replaced by G.
Molecular consequence: intron variant.
Genome position (GRCh38, 1-based): chr9:128,617,445, A>G. VCF-style: chr9-128617445-A-G. GRCh37 (hg19) VCF-style: chr9-131379724-A-G.
Other names: c.5358-195A>G (NM_001363759.2); c.5343-195A>G (NM_003127.4); c.5298-195A>G (NM_001363765.2); c.5283-195A>G (NM_001195532.2).
Identifiers: ClinVar variation 677632 (VCV000677632.1), dbSNP rs77926333, ClinGen allele CA200401527.

ClinVar aggregate classification (germline): Likely benign (1 of 4 stars; one submission).

Allele frequency attached by ClinVar (database versions not stated): 1000 Genomes Project 0.01078; 1000 Genomes Project 30x 0.01109; gnomAD 0.01182 and 0.01278; TOPMed 0.01346.
gnomAD v4.1: 1,779 of 152,236 alleles (1.2%); highest among the groups gnomAD compares: African/African-American, 4%; 35 homozygotes.

Submission:

GeneDx
Classification: Likely benign. Last evaluated: 2018-06-19. Review status: criteria provided, single submitter. Criteria: GeneDx Variant Classification (06012015). Collection method: clinical testing. Allele origin: germline. Affected: yes.
Comment: This variant is considered likely benign or benign based on one or more of the following criteria: it is a conservative change, it occurs at a poorly conserved position in the protein, it is predicted to be benign by multiple in silico algorithms, and/or has population frequency not consistent with disease.